The following is an entry in ClinVar:

NM_001943.5(DSG2):c.2979G>T (p.Gln993His)

Genes: DSG2 (desmoglein 2; plus strand), DSG2-AS1 (DSG2 antisense RNA 1; minus strand). Cytogenetic location: 18q12.1.
Variant type: single nucleotide variant.
Coding change: c.2979G>T on transcript NM_001943.5 (MANE Select); coding-DNA position 2979, G replaced by T.
Protein change: p.Gln993His; replaces glutamine 993 with histidine.
Molecular consequence: missense variant.
Genome position (GRCh38, 1-based): chr18:31,546,365, G>T. VCF-style: chr18-31546365-G-T. GRCh37 (hg19) VCF-style: chr18-29126328-G-T.
Other names: short protein forms Q993H.
Identifiers: ClinVar variation 996557 (VCV000996557.2), dbSNP rs565904909, ClinGen allele CA402147634.

ClinVar aggregate classification (germline): Likely pathogenic (1 of 4 stars; one submission).

Conditions:
Sudden cardiac death (SCD). Also called: Sudden adult death syndrome. Identifiers: MedGen C0085298, MeSH D016757, HP:0001645.

Submission:

Centre of Medical Genetics, University of Antwerp
Classification: Likely pathogenic for Sudden Cardiac Death. Last evaluated: 2020-07-14. Review status: criteria provided, single submitter. Criteria: ACMG Guidelines, 2015. Collection method: clinical testing. Allele origin: de novo. Affected: yes.
Comment: PS2-PM2-PP2